The following is an entry in ClinVar:

ClinVar aggregate classification (germline): Uncertain significance. Review status: criteria provided, multiple submitters, no conflicts (2 of 4 stars). 2 submissions from 2 submitters: Uncertain significance (2). Last evaluated 2024-06-12.

Conditions:
Fanconi anemia complementation group O. Also called: RAD51C-Related Fanconi Anemia. Identifiers: Orphanet 84, MedGen C3150653, MONDO:0013248, OMIM 613390.
Hereditary cancer-predisposing syndrome. Also called: Hereditary neoplastic syndrome; Neoplastic Syndromes, Hereditary; Hereditary Cancer Syndrome; Tumor predisposition. Identifiers: Orphanet 140162, MedGen C0027672, MeSH D009386, MONDO:0015356.

Submissions (2):

Labcorp Genetics (formerly Invitae), Labcorp
Classification: Uncertain significance for Fanconi anemia complementation group O. Last evaluated: 2024-06-12. Review status: criteria provided, single submitter. Criteria: Invitae Variant Classification Sherloc (09022015). Collection method: clinical testing. Allele origin: germline.
Comment: This variant, c.977_979del, results in the deletion of 1 amino acid(s) of the RAD51C protein (p.Leu326del), but otherwise preserves the integrity of the reading frame. This variant is not present in population databases (gnomAD no frequency). This variant has not been reported in the literature in individuals affected with RAD51C-related conditions. ClinVar contains an entry for this variant (Variation ID: 1392077). Experimental studies and prediction algorithms are not available or were not evaluated, and the functional significance of this variant is currently unknown. In summary, the available evidence is currently insufficient to determine the role of this variant in disease. Therefore, it has been classified as a Variant of Uncertain Significance.

Ambry Genetics
Classification: Uncertain significance for Hereditary cancer-predisposing syndrome. Last evaluated: 2017-10-24. Review status: criteria provided, single submitter. Criteria: Ambry Variant Classification Scheme 2023. Collection method: clinical testing. Allele origin: germline.
Comment: The c.977_979delTGT variant (also known as p.L326del) is located in coding exon 8 of the RAD51C gene. This variant results from an in-frame TGT deletion at nucleotide positions 977 to 979. This results in the in-frame deletion of a leucine at codon 326. The deleted amino acid position is well conserved in available vertebrate species. Since supporting evidence is limited at this time, the clinical significance of this alteration remains unclear.

NM_058216.3(RAD51C):c.977_979del (p.Leu326del)

Gene: RAD51C (RAD51 paralog C; plus strand). Cytogenetic location: 17q22.
Variant type: Deletion.
Coding change: c.977_979del on transcript NM_058216.3 (MANE Select); coding-DNA positions 977 to 979, 3 bases deleted (TGT; older notation c.977_979delTGT).
Protein change: p.Leu326del; deletes leucine 326.
Molecular consequence: inframe deletion. On other transcripts: non-coding transcript variant (1).
Genome position (GRCh38, 1-based): chr17:58,732,495-58,732,497, TGT deleted; deleting any 3 consecutive bases within chr17:58,732,494-58,732,497 gives the same sequence; the c. name uses the placement nearest the transcript's 3' end. VCF-style (leftmost placement, unchanged base first): chr17-58732493-ATTG-A. GRCh37 (hg19) VCF-style: chr17-56809854-ATTG-A.
Other names: short protein forms L326del.
Identifiers: ClinVar variation 1392077 (VCV001392077.10), dbSNP rs2144044664, ClinGen allele CA2573154159.